The following is an entry in ClinVar:

NM_001009944.3(PKD1):c.11057T>G (p.Leu3686Arg)

Genes: PKD1 (polycystin 1, transient receptor potential channel interacting; minus strand), PKD1-AS1 (PKD1 antisense RNA 1; plus strand). Cytogenetic location: 16p13.3.
Variant type: single nucleotide variant.
Coding change: c.11057T>G on transcript NM_001009944.3 (MANE Select); coding-DNA position 11057, T replaced by G.
Protein change: p.Leu3686Arg; replaces leucine 3686 with arginine.
Molecular consequence: missense variant.
Genome position (GRCh38, 1-based): chr16:2,093,053, A>C on the plus strand (T>G on the coding strand, the complement: PKD1 is on the minus strand). VCF-style: chr16-2093053-A-C. GRCh37 (hg19) VCF-style: chr16-2143054-A-C.
Other names: c.11054T>G, p.Leu3685Arg (NM_000296.4); short protein forms L3685R, L3686R.
Identifiers: ClinVar variation 3256677 (VCV003256677.1).
Genomic context (GRCh38, chr16:2,093,053, plus strand): 5'-TTGATGGCGCTTTGCAGACGGTAGGCGTGCCCATGGCATGAGGCATCCCCATAGCTGGCC[A>C]GCAGGGTCACCAGCAGAAAAAGCATGTACACCAGGAGGCTCTGGTGGACGGGGGGGCCCT-3'
Protein context (NP_001009944.3, residues 3676-3696): VYMLFLLVTL[Leu3686Arg]ASYGDASCHG

ClinVar aggregate classification (germline): Uncertain significance (1 of 4 stars; one submission).

Conditions:
Polycystic kidney disease, adult type (PKD1). Also called: Polycystic Kidney Disease 1, Autosomal Dominant; Polycystic kidney disease 1; Polycystic kidney disease 1, severe; POLYCYSTIC KIDNEY DISEASE, ADULT, TYPE I; Polycystic Kidney, Autosomal Dominant; POLYCYSTIC KIDNEY DISEASE 1 WITH OR WITHOUT POLYCYSTIC LIVER DISEASE. Identifiers: MedGen C3149841, MONDO:0008263, OMIM 173900.

Submission:

MVZ Medizinische Genetik Mainz
Classification: Uncertain significance for Polycystic kidney disease, adult type. Last evaluated: 2024-04-22. Review status: criteria provided, single submitter. Criteria: UK Practice Guidelines For Variant Classification V4 01 2020. Collection method: clinical testing. Allele origin: germline. Inheritance: Autosomal dominant inheritance. Affected: yes. Observed: 1 variant allele.
Comment: ACMG Criteria: PM2_SUP,PP4